The following is an entry in ClinVar:

ClinVar aggregate classification (germline): Benign/Likely benign. Review status: criteria provided, multiple submitters, no conflicts (2 of 4 stars). 3 submissions from 3 submitters: Benign (2); Likely benign (1). Last evaluated 2025-06-22.

Conditions:
Emery-Dreifuss muscular dystrophy 5, autosomal dominant (EDMD5). Also called: EMERY-DREIFUSS MUSCULAR DYSTROPHY 5. Identifiers: Orphanet 261, MedGen C2751805, MONDO:0013072, OMIM 612999.

Allele frequency attached by ClinVar (database versions not stated): gnomAD 0.00006 and 0.00013; gnomAD exomes 0.00008 and 0.00032; TOPMed 0.00016; ExAC 0.00024; 1000 Genomes Project 0.00060; 1000 Genomes Project 30x 0.00062.
gnomAD v4.1: 145 of 1,614,010 alleles (0.009%); highest among the groups gnomAD compares: East Asian, 0.23%; 1 homozygote.

Submissions (3):

Labcorp Genetics (formerly Invitae), Labcorp
Classification: Benign for Emery-Dreifuss muscular dystrophy 5, autosomal dominant. Last evaluated: 2025-06-22. Review status: criteria provided, single submitter. Criteria: Invitae Variant Classification Sherloc (09022015). Collection method: clinical testing. Allele origin: germline.

Blueprint Genetics
Classification: Likely benign. Last evaluated: 2024-01-30. Review status: criteria provided, single submitter. Criteria: ACMG Guidelines, 2015. Collection method: clinical testing. Allele origin: germline.

Illumina Laboratory Services, Illumina
Classification: Benign for Emery-Dreifuss muscular dystrophy 5, autosomal dominant. Last evaluated: 2018-01-13. Review status: criteria provided, single submitter. Criteria: ICSL Variant Classification Criteria 13 December 2019. Collection method: clinical testing. Allele origin: germline.
Comment: This variant was observed in the ICSL laboratory as part of a predisposition screen in an ostensibly healthy population. It had not been previously curated by ICSL or reported in the Human Gene Mutation Database (HGMD: prior to June 1st, 2018), and was therefore a candidate for classification through an automated scoring system. Utilizing variant allele frequency, disease prevalence and penetrance estimates, and inheritance mode, an automated score was calculated to assess if this variant is too frequent to cause the disease. Based on the score and internal cut-off values, a variant classified as benign is not then subjected to further curation. The score for this variant resulted in a classification of benign for this disease.

NM_182914.3(SYNE2):c.19185T>C (p.His6395=)

Gene: SYNE2 (spectrin repeat containing nuclear envelope protein 2; plus strand). Cytogenetic location: 14q23.2.
Variant type: single nucleotide variant.
Coding change: c.19185T>C on transcript NM_182914.3 (MANE Select); coding-DNA position 19185, T replaced by C.
Protein change: p.His6395=; no amino-acid change (histidine 6395 retained).
Molecular consequence: synonymous variant.
Genome position (GRCh38, 1-based): chr14:64,214,322, T>C. VCF-style: chr14-64214322-T-C. GRCh37 (hg19) VCF-style: chr14-64681040-T-C.
Other names: c.19185T>C, p.His6395= (NM_015180.6); c.87T>C, p.His29= (NM_182913.4).
Identifiers: ClinVar variation 313648 (VCV000313648.16), dbSNP rs146775592, ClinGen allele CA7224339.